The following is an entry in ClinVar:

ClinVar aggregate classification (germline): Uncertain significance (1 of 4 stars; one submission).

Conditions:
Gastrointestinal stromal tumor. Also called: Gastrointestinal stromal tumor, somatic; Gastrointestinal stroma tumor. Identifiers: Orphanet 44890, MedGen C0238198, MeSH D046152, MONDO:0011719, OMIM 606764, HP:0100723.
Pheochromocytoma/paraganglioma syndrome 3. Also called: GLOMUS TUMORS, FAMILIAL, 3; SDHC-Related Hereditary Paraganglioma-Pheochromocytoma Syndrome; Paragangliomas 3; SDHC-Related Hereditary Paraganglioma-Pheochromocytoma Syndrome (Paragangliomas 3). Identifiers: Orphanet 29072, MedGen C1854336, MONDO:0011544, OMIM 605373.

Allele frequency attached by ClinVar (database versions not stated): gnomAD exomes below 0.00001.
gnomAD v4.1: 1 of 1,612,316 alleles (0.000062%); highest among the groups gnomAD compares: Non-Finnish European, 0.000085%; no homozygotes.

Submission:

Labcorp Genetics (formerly Invitae), Labcorp
Classification: Uncertain significance for Pheochromocytoma/paraganglioma syndrome 3; Gastrointestinal stromal tumor. Last evaluated: 2023-04-08. Review status: criteria provided, single submitter. Criteria: Invitae Variant Classification Sherloc (09022015). Collection method: clinical testing. Allele origin: germline.
Comment: This sequence change replaces proline, which is neutral and non-polar, with leucine, which is neutral and non-polar, at codon 29 of the SDHC protein (p.Pro29Leu). This variant is not present in population databases (gnomAD no frequency). This variant has not been reported in the literature in individuals affected with SDHC-related conditions. ClinVar contains an entry for this variant (Variation ID: 939110). An algorithm developed to predict the effect of missense changes on protein structure and function (PolyPhen-2) suggests that this variant is likely to be disruptive. In summary, the available evidence is currently insufficient to determine the role of this variant in disease. Therefore, it has been classified as a Variant of Uncertain Significance.

NM_003001.5(SDHC):c.86C>T (p.Pro29Leu)

Gene: SDHC (succinate dehydrogenase complex subunit C; plus strand). Cytogenetic location: 1q23.3.
Variant type: single nucleotide variant.
Coding change: c.86C>T on transcript NM_003001.5 (MANE Select); coding-DNA position 86, C replaced by T.
Protein change: p.Pro29Leu; replaces proline 29 with leucine.
Molecular consequence: missense variant. On other transcripts: 5 prime UTR variant (2), non-coding transcript variant (1), intron variant (4).
Genome position (GRCh38, 1-based): chr1:161,328,404, C>T. VCF-style: chr1-161328404-C-T. GRCh37 (hg19) VCF-style: chr1-161298194-C-T.
Other names: c.86C>T, p.Pro29Leu (NM_001035511.3, NM_001407115.1); c.29C>T, p.Pro10Leu (NM_001407116.1, NM_001407117.1, NM_001407121.1); c.-26C>T (NM_001407119.1, NM_001407120.1); c.77+4734C>T (NM_001035512.3, NM_001278172.3, NM_001407118.1); c.21-12190C>T (NM_001035513.3); short protein forms P29L, P10L.
Identifiers: ClinVar variation 939110 (VCV000939110.11), dbSNP rs1671145169, ClinGen allele CA343360854.